The following is an entry in ClinVar:

NM_000091.5(COL4A3):c.2504C>G (p.Thr835Arg)

Genes: COL4A3 (collagen type IV alpha 3 chain; plus strand), MFF-DT (MFF divergent transcript; minus strand). Cytogenetic location: 2q36.3.
Variant type: single nucleotide variant.
Coding change: c.2504C>G on transcript NM_000091.5 (MANE Select); coding-DNA position 2504, C replaced by G.
Protein change: p.Thr835Arg; replaces threonine 835 with arginine.
Molecular consequence: missense variant.
Genome position (GRCh38, 1-based): chr2:227,282,380, C>G. VCF-style: chr2-227282380-C-G. GRCh37 (hg19) VCF-style: chr2-228147096-C-G.
Other names: short protein forms T835R.
Identifiers: ClinVar variation 3377380 (VCV003377380.1).

ClinVar aggregate classification (germline): Uncertain significance (1 of 4 stars; one submission).

Conditions:
Alport syndrome. Also called: Hemorrhagic familial nephritis; Hemorrhagic hereditary nephritis; Congenital hereditary hematuria. Identifiers: Orphanet 63, MedGen C1567741, MONDO:0018965.

Submission:

Victorian Clinical Genetics Services, Murdoch Childrens Research Institute
Classification: Uncertain significance for Alport syndrome. Last evaluated: 2020-10-19. Review status: criteria provided, single submitter. Criteria: ACMG Guidelines, 2015. Collection method: clinical testing. Allele origin: germline. Affected: yes.
Comment: Based on the classification scheme VCGS_Germline_v1.1.1, this variant is classified as 3B-VUS. Following criteria are met: 0102 - Loss-of-function is a known mechanism of disease for this gene. (N) 0104 - Dominant Negative is a mechanism of disease for this gene. (N) 0108 - This gene is known to be associated with both recessive and dominant disease (OMIM). (N) 0200 - Variant is predicted to result in a missense amino acid change from threonine to arginine (exon 32). (N) 0251 - Variant is heterozygous. (N) 0301 - Variant is absent from gnomAD. (P) 0309 - An alternative amino acid change at the same position has been observed in gnomAD (6 heterozygotes, 0 homozygotes). (N) 0502 - Missense variant with conflicting in-silico predictions and/or uninformative conservation. (N) 0600 - Variant is located in an annotated domain or motif (collagen triple helix repeat; PDB). (N) 0705 - No comparable variants have previous evidence for pathogenicity. (N) 0807 - Variant has not previously been reported in a clinical context. (N) 0905 - No segregation evidence has been identified for this variant. (N) 1007 - No published functional evidence has been identified for this variant. (N) 1208 - Inheritance information for this variant is not currently available. (N) Legend: (P) - Pathogenic, (N) - Neutral, (B) - Benign